The following is an entry in ClinVar:

NM_014336.5(AIPL1):c.796G>T (p.Ala266Ser)

Gene: AIPL1 (AIP like 1 HSP90 co-chaperone; minus strand). Cytogenetic location: 17p13.2.
Variant type: single nucleotide variant.
Coding change: c.796G>T on transcript NM_014336.5 (MANE Select); coding-DNA position 796, G replaced by T.
Protein change: p.Ala266Ser; replaces alanine 266 with serine.
Molecular consequence: missense variant. On other transcripts: 3 prime UTR variant (1).
Genome position (GRCh38, 1-based): chr17:6,425,819, C>A on the plus strand (G>T on the coding strand, the complement: AIPL1 is on the minus strand). VCF-style: chr17-6425819-C-A. GRCh37 (hg19) VCF-style: chr17-6329139-C-A.
Other names: NM_014336.5(AIPL1):c.796G>T; p.Ala266Ser; c.607G>T, p.Ala203Ser (NM_001033054.3); c.616G>T, p.Ala206Ser (NM_001033055.3); c.760G>T, p.Ala254Ser (NM_001285399.3); c.730G>T, p.Ala244Ser (NM_001285400.3); c.724G>T, p.Ala242Ser (NM_001285401.3); c.679G>T, p.Ala227Ser (NM_001285402.2); and 1 more; short protein forms A266S, A203S, A206S, A227S, A242S, A254S, A244S.
Identifiers: ClinVar variation 388828 (VCV000388828.9), dbSNP rs200939019, ClinGen allele CA8328379.

ClinVar aggregate classification (germline): Uncertain significance. Review status: reviewed by expert panel (3 of 4 stars). 4 submissions from 4 submitters: Uncertain significance (1). 3 of the submissions do not count toward it. Last evaluated 2025-09-29.

Conditions:
Inborn genetic diseases. Identifiers: MedGen C0950123, MeSH D030342.
Leber congenital amaurosis 4 (LCA4). Identifiers: MedGen C1858386, MONDO:0011458, OMIM 604393.
AIPL1-related retinopathy. Also called: AIPL1 retinopathy. Identifiers: MedGen CN305590, MONDO:0100438.

Allele frequency attached by ClinVar (database versions not stated): gnomAD exomes 0.00002 and 0.00004; ExAC 0.00007; TOPMed 0.00009.
gnomAD v4.1: 39 of 1,604,002 alleles (0.0024%); highest among the groups gnomAD compares: Non-Finnish European, 0.0032%; no homozygotes.

Submissions (4):

ClinGen Leber Congenital Amaurosis/early Onset Retinal Dystrophy Variant Curation Expert Panel, ClinGen
Classification: Uncertain significance for AIPL1-related retinopathy. Last evaluated: 2025-09-29. Review status: reviewed by expert panel. Criteria: ClinGen LCAeoRD ACMG Specifications AIPL1 V1.0.0. Collection method: curation. Allele origin: germline. Inheritance: Autosomal recessive inheritance.
Comment: NM_014336.5(AIPL1):c.796G>T (p.Ala266Ser) is a missense variant replacing the alanine at position p.266 with serine. This variant is present in gnomAD v.4.1.0 at a total allele frequency of 0.00002431, with 39 /1604002 total alleles, which is lower than the ClinGen LCA/eoRD VCEP PM2_Supporting threshold of <0.0004 (PM2_Supporting). The computational predictor REVEL gives a score of 0.867, which is above the ClinGen LCA/eoRD VCEP threshold of ≥0.774 and predicts a damaging effect on AIPL1 protein function (PP3_Moderate). Additionally, the splicing impact predictor SpliceAI gives a score of 0.01, which is below the ClinGen LCA/eoRD VCEP recommended threshold of ≥0.2 and does not strongly predict an impact on splicing. This variant has been reported in at least 1 proband with a diagnosis of retinitis pigmentosa who harbored the variant in the heterozygous state (VCEP member-provided data, GeneDx). However, the proband was not counted for PM3_Supporting because no second AIPL1 variant was detected, and because the available phenotype details were not sufficiently compatible with the expected severity or age of onset. In summary, this variant meets the criteria to be classified as a VUS for AIPL1-related retinopathy based on the ACMG/AMP criteria applied, as specified by the ClinGen LCA/eoRD VCEP: PM2_Supporting and PP3_moderate. (VCEP specifications version 1.0.0; date of approval 09/24/2025).

Ambry Genetics
Classification: Uncertain significance for Inborn genetic diseases. Last evaluated: 2025-11-07. Review status: criteria provided, single submitter. Criteria: Ambry Variant Classification Scheme 2023. Collection method: clinical testing. Allele origin: germline. Not counted in ClinVar's aggregate classification.

Labcorp Genetics (formerly Invitae), Labcorp
Classification: Uncertain significance for Leber congenital amaurosis 4. Last evaluated: 2022-03-09. Review status: criteria provided, single submitter. Criteria: Invitae Variant Classification Sherloc (09022015). Collection method: clinical testing. Allele origin: germline. Not counted in ClinVar's aggregate classification.
Comment: This sequence change replaces alanine, which is neutral and non-polar, with serine, which is neutral and polar, at codon 266 of the AIPL1 protein (p.Ala266Ser). This variant is present in population databases (rs200939019, gnomAD 0.009%). This variant has not been reported in the literature in individuals affected with AIPL1-related conditions. ClinVar contains an entry for this variant (Variation ID: 388828). Algorithms developed to predict the effect of missense changes on protein structure and function (SIFT, PolyPhen-2, Align-GVGD) all suggest that this variant is likely to be disruptive. In summary, the available evidence is currently insufficient to determine the role of this variant in disease. Therefore, it has been classified as a Variant of Uncertain Significance.

GeneDx
Classification: Uncertain significance. Last evaluated: 2016-08-22. Review status: criteria provided, single submitter. Criteria: GeneDx Variant Classification (06012015). Collection method: clinical testing. Allele origin: germline. Affected: yes. Not counted in ClinVar's aggregate classification.
Comment: The A266S variant in the AIPL1 gene has not been reported previously as a pathogenic variant, nor as a benign variant, to our knowledge. This variant was not observed in approximately 6500 individuals of European and African American ancestry in the NHLBI Exome Sequencing Project, indicating it is not a common benign variant in these populations. The A266S variant is a non-conservative amino acid substitution, which is likely to impact secondary protein structure as these residues differ in polarity, charge, size and/or other properties. This substitution occurs at a position that is conserved across species, and in silico analysis predicts this variant is probably damaging to the protein structure/function. We interpret A266S as a variant of uncertain significance.